The following is an entry in ClinVar:

NM_000059.4(BRCA2):c.472T>C (p.Ser158Pro)

Gene: BRCA2 (BRCA2 DNA repair associated; plus strand). Cytogenetic location: 13q13.1.
Variant type: single nucleotide variant.
Coding change: c.472T>C on transcript NM_000059.4 (MANE Select); coding-DNA position 472, T replaced by C.
Protein change: p.Ser158Pro; replaces serine 158 with proline.
Molecular consequence: missense variant.
Genome position (GRCh38, 1-based): chr13:32,326,147, T>C. VCF-style: chr13-32326147-T-C. GRCh37 (hg19) VCF-style: chr13-32900284-T-C.
Other names: c.472T>C (NM_000059.3); short protein forms S158P.
Identifiers: ClinVar variation 1404389 (VCV001404389.9), dbSNP rs113114005, ClinGen allele CA247488333.

ClinVar aggregate classification (germline): Uncertain significance. Review status: criteria provided, multiple submitters, no conflicts (2 of 4 stars). 2 submissions from 2 submitters: Uncertain significance (2). Last evaluated 2026-03-17.

Conditions:
Hereditary breast ovarian cancer syndrome. Also called: Hereditary breast and ovarian cancer; Breast and ovarian cancer; Hereditary breast and/or ovarian cancer syndrome; Hereditary breast and ovarian cancer syndrome; Hereditary breast and ovarian cancer syndrome (HBOC); BRCA1- and BRCA2-Associated Hereditary Breast and Ovarian Cancer. Identifiers: Orphanet 145, MedGen C0677776, MeSH D061325, MONDO:0003582. Disease mechanism: loss of function.
Hereditary cancer-predisposing syndrome. Also called: Tumor predisposition; Neoplastic Syndromes, Hereditary; Hereditary Cancer Syndrome; Hereditary neoplastic syndrome. Identifiers: Orphanet 140162, MedGen C0027672, MeSH D009386, MONDO:0015356.

Submissions (2):

Ambry Genetics
Classification: Uncertain significance for Hereditary cancer-predisposing syndrome. Last evaluated: 2026-03-17. Review status: criteria provided, single submitter. Criteria: Ambry Variant Classification Scheme 2023. Collection method: clinical testing. Allele origin: germline.
Comment: The p.S158P variant (also known as c.472T>C), located in coding exon 4 of the BRCA2 gene, results from a T to C substitution at nucleotide position 472. The serine at codon 158 is replaced by proline, an amino acid with similar properties. This amino acid position is not well conserved in available vertebrate species. In addition, this alteration is predicted to be tolerated by in silico analysis. Based on the available evidence, the clinical significance of this variant remains unclear.

Labcorp Genetics (formerly Invitae), Labcorp
Classification: Uncertain significance for Hereditary breast ovarian cancer syndrome. Last evaluated: 2025-01-17. Review status: criteria provided, single submitter. Criteria: Invitae Variant Classification Sherloc (09022015). Collection method: clinical testing. Allele origin: germline.
Comment: This sequence change replaces serine, which is neutral and polar, with proline, which is neutral and non-polar, at codon 158 of the BRCA2 protein (p.Ser158Pro). This variant is not present in population databases (gnomAD no frequency). This variant has not been reported in the literature in individuals affected with BRCA2-related conditions. ClinVar contains an entry for this variant (Variation ID: 1404389). Invitae Evidence Modeling of protein sequence and biophysical properties (such as structural, functional, and spatial information, amino acid conservation, physicochemical variation, residue mobility, and thermodynamic stability) indicates that this missense variant is not expected to disrupt BRCA2 protein function with a negative predictive value of 95%. In summary, the available evidence is currently insufficient to determine the role of this variant in disease. Therefore, it has been classified as a Variant of Uncertain Significance.